The following is an entry in ClinVar:

ClinVar aggregate classification (germline): Uncertain significance. Review status: criteria provided, multiple submitters, no conflicts (2 of 4 stars). 3 submissions from 3 submitters: Uncertain significance (3). Last evaluated 2025-06-11.

Conditions:
Intellectual developmental disorder, X-linked 1. Also called: Atkin Flaitz Patil Smith syndrome; Intellectual disability, X-linked 1; MENTAL RETARDATION, X-LINKED 18; MENTAL RETARDATION, X-LINKED 78. Identifiers: Orphanet 777, MedGen C2931498, MONDO:0010656, OMIM 309530.
IQSEC2-related disorder. Also called: IQSEC2-related condition.

Allele frequency attached by ClinVar (database versions not stated): gnomAD 0.00003.

Submissions (3):

Labcorp Genetics (formerly Invitae), Labcorp
Classification: Uncertain significance for Intellectual developmental disorder, X-linked 1. Last evaluated: 2025-06-11. Review status: criteria provided, single submitter. Criteria: Invitae Variant Classification Sherloc (09022015). Collection method: clinical testing. Allele origin: germline.
Comment: This sequence change replaces proline, which is neutral and non-polar, with threonine, which is neutral and polar, at codon 1430 of the IQSEC2 protein (p.Pro1430Thr). The frequency data for this variant in the population databases is considered unreliable, as metrics indicate insufficient coverage at this position in the gnomAD database. This variant has not been reported in the literature in individuals affected with IQSEC2-related conditions. ClinVar contains an entry for this variant (Variation ID: 1336653). Invitae Evidence Modeling of protein sequence and biophysical properties (such as structural, functional, and spatial information, amino acid conservation, physicochemical variation, residue mobility, and thermodynamic stability) indicates that this missense variant is not expected to disrupt IQSEC2 protein function with a negative predictive value of 95%. In summary, the available evidence is currently insufficient to determine the role of this variant in disease. Therefore, it has been classified as a Variant of Uncertain Significance.

PreventionGenetics, part of Exact Sciences
Classification: Uncertain significance for IQSEC2-related condition. Last evaluated: 2023-02-13. Review status: criteria provided, single submitter. Criteria: ACMG Guidelines, 2015. Collection method: clinical testing. Allele origin: germline.
Comment: The IQSEC2 c.4288C>A variant is predicted to result in the amino acid substitution p.Pro1430Thr. To our knowledge, this variant has not been reported in the literature or in a large population database, indicating this variant is rare. At this time, the clinical significance of this variant is uncertain due to the absence of conclusive functional and genetic evidence.

Genetic Services Laboratory, University of Chicago
Classification: Uncertain significance. Last evaluated: 2021-10-01. Review status: criteria provided, single submitter. Criteria: ACMG Guidelines, 2015. Collection method: clinical testing. Allele origin: germline. Affected: no.

NM_001111125.3(IQSEC2):c.4288C>A (p.Pro1430Thr)

Gene: IQSEC2 (IQ motif and Sec7 domain ArfGEF 2; minus strand). Cytogenetic location: Xp11.22.
Variant type: single nucleotide variant.
Coding change: c.4288C>A on transcript NM_001111125.3 (MANE Select); coding-DNA position 4288, C replaced by A.
Protein change: p.Pro1430Thr; replaces proline 1430 with threonine.
Molecular consequence: missense variant. On other transcripts: 3 prime UTR variant (1).
Genome position (GRCh38, 1-based): chrX:53,234,398, G>T on the plus strand (C>A on the coding strand, the complement: IQSEC2 is on the minus strand). VCF-style: chrX-53234398-G-T. GRCh37 (hg19) VCF-style: chrX-53263580-G-T.
Other names: c.*773C>A (NM_015075.2); short protein forms P1430T.
Identifiers: ClinVar variation 1336653 (VCV001336653.12), dbSNP rs1232612010, ClinGen allele CA413138818.